The following is an entry in ClinVar:

ClinVar aggregate classification (germline): Uncertain significance (1 of 4 stars; one submission).

Conditions:
DHCR7-related disorder. Also called: DHCR7-related condition.

Allele frequency attached by ClinVar (database versions not stated): ExAC 0.00001.
gnomAD v4.1: 7 of 1,614,210 alleles (0.00043%); highest among the groups gnomAD compares: Non-Finnish European, 0.00059%; no homozygotes.

Submission:

PreventionGenetics, part of Exact Sciences
Classification: Uncertain significance for DHCR7-related condition. Last evaluated: 2022-09-18. Review status: criteria provided, single submitter. Criteria: ACMG Guidelines, 2015. Collection method: clinical testing. Allele origin: germline.
Comment: The DHCR7 c.474G>T variant is predicted to result in the amino acid substitution p.Trp158Cys. This variant was identified prenatally in the compound heterozygous state with a pathogenic variant in a fetus with multiple congenital anomalies (Waye et al. 2007. PubMed ID: 17441222). This variant is reported in 0.0018% of alleles in individuals of European (Non-Finnish) descent in gnomAD. Although we suspect that this variant could possibly be pathogenic, at this time its clinical significance is uncertain due to the absence of conclusive functional and genetic evidence.

NM_001360.3(DHCR7):c.474G>T (p.Trp158Cys)

Gene: DHCR7 (7-dehydrocholesterol reductase; minus strand). Cytogenetic location: 11q13.4.
Variant type: single nucleotide variant.
Coding change: c.474G>T on transcript NM_001360.3 (MANE Select); coding-DNA position 474, G replaced by T.
Protein change: p.Trp158Cys; replaces tryptophan 158 with cysteine.
Molecular consequence: missense variant.
Genome position (GRCh38, 1-based): chr11:71,441,379, C>A on the plus strand (G>T on the coding strand, the complement: DHCR7 is on the minus strand). VCF-style: chr11-71441379-C-A. GRCh37 (hg19) VCF-style: chr11-71152425-C-A.
Other names: c.474G>T, p.Trp158Cys (NM_001163817.2); short protein forms W158C.
Identifiers: ClinVar variation 2636463 (VCV002636463.1), dbSNP rs766443353, ClinGen allele CA6162555.